The following is an entry in ClinVar:

NM_018136.5(ASPM):c.8191_8192del (p.Glu2731fs)

Gene: ASPM (assembly factor for spindle microtubules; minus strand). Cytogenetic location: 1q31.3.
Variant type: Deletion.
Coding change: c.8191_8192del on transcript NM_018136.5 (MANE Select); coding-DNA positions 8191 to 8192, 2 bases deleted (GA; older notation c.8191_8192delGA).
Protein change: p.Glu2731fs; shifts the reading frame from glutamic acid 2731.
Molecular consequence: frameshift variant. On other transcripts: intron variant (1).
Genome position (GRCh38, 1-based): chr1:197,101,059-197,101,060, TC deleted on the plus strand (GA on the coding strand, the reverse complement: ASPM is on the minus strand); deleting any 2 consecutive bases within chr1:197,101,059-197,101,061 gives the same sequence; the c. name uses the placement nearest the transcript's 3' end. VCF-style (leftmost placement, unchanged base first): chr1-197101058-TTC-T. GRCh37 (hg19) VCF-style: chr1-197070188-TTC-T.
Other names: c.4066-4896_4066-4895del (NM_001206846.2); c.8190_8191delAG (NM_018136.4); c.8191_8192del (NM_018136.4); c.8191_8192delGA (NM_018136.4); short protein forms E2731fs.
Identifiers: ClinVar variation 21613 (VCV000021613.11), dbSNP rs199422177, ClinGen allele CA342278.

ClinVar aggregate classification (germline): Pathogenic. Review status: criteria provided, multiple submitters, no conflicts (2 of 4 stars). 5 submissions from 5 submitters: Pathogenic (4). 1 of the submissions does not count toward it. Last evaluated 2026-03-06.

Conditions:
ASPM-related disorder. Also called: ASPM-related condition.
Microcephaly 5, primary, autosomal recessive (MCPH5). Also called: ASPM Primary Microcephaly. Identifiers: Orphanet 2512, MedGen C1837501, MONDO:0012106, OMIM 608716.

Submissions (5):

PreventionGenetics, part of Exact Sciences
Classification: Pathogenic for ASPM-related condition. Last evaluated: 2026-03-06. Review status: criteria provided, single submitter. Criteria: ACMG Guidelines, 2015. Collection method: clinical testing. Allele origin: germline.
Comment: The ASPM c.8191_8192delGA variant is predicted to result in a frameshift and premature protein termination (p.Glu2731Lysfs*19). This variant has been reported with a second ASPM nonsense variant in an individual with primary microcephaly (Passemard et al. 2009. PubMed ID: 19770472). This variant is reported in 0.0039% of alleles in individuals of European (non-Finnish) descent in gnomAD. Frameshift variants in ASPM are expected to be pathogenic. This variant is interpreted as pathogenic.

GeneDx
Classification: Pathogenic. Last evaluated: 2025-10-09. Review status: criteria provided, single submitter. Criteria: GeneDx Variant Classification Process June 2021. Collection method: clinical testing. Allele origin: germline. Affected: yes.
Comment: Frameshift variant predicted to result in protein truncation or nonsense mediated decay in a gene for which loss of function is a known mechanism of disease; Not observed at significant frequency in large population cohorts (gnomAD); This variant is associated with the following publications: (PMID: 19770472)

Blueprint Genetics
Classification: Pathogenic for ASPM-related disorders. Last evaluated: 2023-08-23. Review status: criteria provided, single submitter. Criteria: ACMG Guidelines, 2015. Collection method: clinical testing. Allele origin: germline. Affected: yes. Observed: 5 variant alleles.

Labcorp Genetics (formerly Invitae), Labcorp
Classification: Pathogenic. Last evaluated: 2022-07-17. Review status: criteria provided, single submitter. Criteria: Invitae Variant Classification Sherloc (09022015). Collection method: clinical testing. Allele origin: germline.
Comment: This variant is present in population databases (rs773874006, gnomAD 0.003%). For these reasons, this variant has been classified as Pathogenic. ClinVar contains an entry for this variant (Variation ID: 21613). This variant is also known as c. 8190_8191delAG (p.Glu2731LysfsX18*). This premature translational stop signal has been observed in individual(s) with primary microcephaly (PMID: 19770472). This sequence change creates a premature translational stop signal (p.Glu2731Lysfs*19) in the ASPM gene. It is expected to result in an absent or disrupted protein product. Loss-of-function variants in ASPM are known to be pathogenic (PMID: 19028728, 23611254).

GeneReviews
No classification provided. Condition: Microcephaly 5, primary, autosomal recessive. Review status: no classification provided. Collection method: literature only. Allele origin: unknown. Not counted in ClinVar's aggregate classification.

Literature cited by the submitters: PubMed 19770472 (cited by Labcorp Genetics (formerly Invitae), Labcorp); PubMed 19028728 (cited by Labcorp Genetics (formerly Invitae), Labcorp); PubMed 23611254 (cited by Labcorp Genetics (formerly Invitae), Labcorp); PubMed 20301772 (cited by GeneReviews); NCBI Bookshelf NBK9587 (cited by GeneReviews).